The following is an entry in ClinVar:

ClinVar aggregate classification (germline): Uncertain significance (1 of 4 stars; one submission).

Conditions:
EAST syndrome (SESAMES). Also called: SEIZURES, SENSORINEURAL DEAFNESS, ATAXIA, IMPAIRED INTELLECTUAL DEVELOPMENT, AND ELECTROLYTE IMBALANCE. Identifiers: Orphanet 199343, MedGen C2748572, MONDO:0013005, OMIM 612780.

Allele frequency attached by ClinVar (database versions not stated): gnomAD exomes below 0.00001; ExAC 0.00001.
gnomAD v4.1: 2 of 1,614,196 alleles (0.00012%); highest among the groups gnomAD compares: Non-Finnish European, 0.00017%; no homozygotes.

Submission:

Labcorp Genetics (formerly Invitae), Labcorp
Classification: Uncertain significance for EAST syndrome. Last evaluated: 2026-01-11. Review status: criteria provided, single submitter. Criteria: Invitae Variant Classification Sherloc (09022015). Collection method: clinical testing. Allele origin: germline.
Comment: This sequence change replaces valine, which is neutral and non-polar, with alanine, which is neutral and non-polar, at codon 240 of the KCNJ10 protein (p.Val240Ala). This variant is present in population databases (rs765938615, gnomAD 0.0009%). This variant has not been reported in the literature in individuals affected with KCNJ10-related conditions. ClinVar contains an entry for this variant (Variation ID: 858442). Invitae Evidence Modeling of protein sequence and biophysical properties (such as structural, functional, and spatial information, amino acid conservation, physicochemical variation, residue mobility, and thermodynamic stability) indicates that this missense variant is not expected to disrupt KCNJ10 protein function with a negative predictive value of 95%. In summary, the available evidence is currently insufficient to determine the role of this variant in disease. Therefore, it has been classified as a Variant of Uncertain Significance.

NM_002241.5(KCNJ10):c.719T>C (p.Val240Ala)

Gene: KCNJ10 (potassium inwardly rectifying channel subfamily J member 10; minus strand). Cytogenetic location: 1q23.2.
Variant type: single nucleotide variant.
Coding change: c.719T>C on transcript NM_002241.5 (MANE Select); coding-DNA position 719, T replaced by C.
Protein change: p.Val240Ala; replaces valine 240 with alanine.
Molecular consequence: missense variant.
Genome position (GRCh38, 1-based): chr1:160,041,814, A>G on the plus strand (T>C on the coding strand, the complement: KCNJ10 is on the minus strand). VCF-style: chr1-160041814-A-G. GRCh37 (hg19) VCF-style: chr1-160011604-A-G.
Other names: short protein forms V240A.
Identifiers: ClinVar variation 858442 (VCV000858442.10), dbSNP rs765938615, ClinGen allele CA1193211.